The following is an entry in ClinVar:

ClinVar aggregate classification (germline): Uncertain significance (1 of 4 stars; one submission).

Conditions:
Propionic acidemia (PROP). Also called: GLYCINEMIA, KETOTIC; HYPERGLYCINEMIA WITH KETOACIDOSIS AND LEUKOPENIA; KETOTIC HYPERGLYCINEMIA. Identifiers: Orphanet 35, MedGen C0268579, MONDO:0011628, OMIM 606054, HP:0003571.

Allele frequency attached by ClinVar (database versions not stated): ExAC 0.00002; gnomAD exomes 0.00002.
gnomAD v4.1: 20 of 1,551,902 alleles (0.0013%); highest among the groups gnomAD compares: East Asian, 0.036%; no homozygotes.

Submission:

Labcorp Genetics (formerly Invitae), Labcorp
Classification: Uncertain significance for Propionic acidemia. Last evaluated: 2022-08-23. Review status: criteria provided, single submitter. Criteria: Invitae Variant Classification Sherloc (09022015). Collection method: clinical testing. Allele origin: germline.
Comment: This sequence change replaces glycine, which is neutral and non-polar, with aspartic acid, which is acidic and polar, at codon 477 of the PCCA protein (p.Gly477Asp). This variant is present in population databases (rs776355907, gnomAD 0.002%). This variant has not been reported in the literature in individuals affected with PCCA-related conditions. ClinVar contains an entry for this variant (Variation ID: 1423234). Algorithms developed to predict the effect of missense changes on protein structure and function are either unavailable or do not agree on the potential impact of this missense change (SIFT: "Deleterious"; PolyPhen-2: "Probably Damaging"; Align-GVGD: "Class C0"). In summary, the available evidence is currently insufficient to determine the role of this variant in disease. Therefore, it has been classified as a Variant of Uncertain Significance.

NM_000282.4(PCCA):c.1430G>A (p.Gly477Asp)

Gene: PCCA (propionyl-CoA carboxylase subunit alpha; plus strand). Cytogenetic location: 13q32.3.
Variant type: single nucleotide variant.
Coding change: c.1430G>A on transcript NM_000282.4 (MANE Select); coding-DNA position 1430, G replaced by A.
Protein change: p.Gly477Asp; replaces glycine 477 with aspartic acid.
Molecular consequence: missense variant. On other transcripts: non-coding transcript variant (5).
Genome position (GRCh38, 1-based): chr13:100,330,561, G>A. VCF-style: chr13-100330561-G-A. GRCh37 (hg19) VCF-style: chr13-100982815-G-A.
Other names: c.1352G>A, p.Gly451Asp (NM_001127692.3, NM_001352607.2); c.1430G>A, p.Gly477Asp (NM_001178004.2, NM_001352605.2, NM_001352609.2); c.1286G>A, p.Gly429Asp (NM_001352606.2); c.1208G>A, p.Gly403Asp (NM_001352608.2); c.485G>A, p.Gly162Asp (NM_001352610.2, NM_001352611.2); c.341G>A, p.Gly114Asp (NM_001352612.2); short protein forms G403D, G451D, G114D, G162D, G429D, G477D.
Identifiers: ClinVar variation 1423234 (VCV001423234.3), dbSNP rs776355907, ClinGen allele CA7033670.